The following is an entry in ClinVar:

GRCh37/hg19 16p11.2(chr16:29640000-30180000)x1

Genes: ALDOA (aldolase, fructose-bisphosphate A; plus strand), ASPHD1 (aspartate beta-hydroxylase domain containing 1; plus strand), C16orf54 (chromosome 16 open reading frame 54; minus strand), C16orf92 (chromosome 16 open reading frame 92; plus strand), CDIPT (CDP-diacylglycerol--inositol 3-phosphatidyltransferase; minus strand) and 21 more. Cytogenetic location: 16p11.2.
Variant type: copy number loss.
Change: copy number 1 (one copy instead of two) of chr16:29,640,000-30,180,000 (540.0 kb, GRCh37 coordinates, 1-based), cytogenetic band 16p11.2.
Identifiers: ClinVar variation 3770231 (VCV003770231.1).

ClinVar aggregate classification (germline): Pathogenic (1 of 4 stars; one submission).

Submission:

Department of Neurology, Zibo Changguo Hospital
Classification: Pathogenic. Last evaluated: 2025-01-11. Review status: criteria provided, single submitter. Criteria: ACMG/ClinGen CNV Guidelines, 2019. Collection method: clinical testing. Allele origin: unknown.
Comment: The ClinGen database has established that the pathogenic mechanism of this deletion region is associated with haploinsufficiency. The DGV database does not cover this region. This deletion is implicated in 16p11.2 deletion syndrome [OMIM: 611913]. Cases with this deletion have been reported in the Decipher database, with the primary clinical manifestations of the reported patients including facial abnormalities, feeding difficulties in infancy, intellectual disability, developmental delay, seizures, and others. The deletion region encompasses 27 known OMIM genes encoding proteins, such as PRRT2. Patients with this syndrome exhibit significant phenotypic heterogeneity, with individuals of the same genotype displaying varying phenotypes, ranging from normal to abnormal, indicating incomplete penetrance (PMID: 12011165, 19770079, 19914906, etc.). Additionally, phenotypic heterogeneity is observed among carriers within the same family [PMID: 20301775, 29609622].